The following is an entry in ClinVar:

ClinVar aggregate classification (germline): Conflicting classifications of pathogenicity. Review status: criteria provided, conflicting classifications (1 of 4 stars). 3 submissions from 3 submitters: Uncertain significance (2); Benign (1). Last evaluated 2025-02-10.

Conditions:
Primary pulmonary hypertension. Also called: Idiopathic pulmonary hypertension. Identifiers: MedGen C0152171.
Inborn genetic diseases. Identifiers: MedGen C0950123, MeSH D030342.

Allele frequency attached by ClinVar (database versions not stated): TOPMed 0.00009; gnomAD 0.00013; ESP Exome Variant Server 0.00023.
gnomAD v4.1: 300 of 1,613,450 alleles (0.019%); highest among the groups gnomAD compares: Non-Finnish European, 0.018%; no homozygotes.

Submissions (3):

Labcorp Genetics (formerly Invitae), Labcorp
Classification: Benign for Primary pulmonary hypertension. Last evaluated: 2025-02-10. Review status: criteria provided, single submitter. Criteria: Invitae Variant Classification Sherloc (09022015). Collection method: clinical testing. Allele origin: germline.

Ambry Genetics
Classification: Uncertain significance for Inborn genetic diseases. Last evaluated: 2024-12-07. Review status: criteria provided, single submitter. Criteria: Ambry Variant Classification Scheme 2023. Collection method: clinical testing. Allele origin: germline.
Comment: The p.S49R variant (also known as c.147T>G), located in coding exon 2 of the BMPR2 gene, results from a T to G substitution at nucleotide position 147. The serine at codon 49 is replaced by arginine, an amino acid with dissimilar properties. This amino acid position is conserved. In addition, the in silico prediction for this alteration is inconclusive. Based on the available evidence, the clinical significance of this variant remains unclear.

ARUP Laboratories, Molecular Genetics and Genomics, ARUP Laboratories
Classification: Uncertain significance. Last evaluated: 2024-03-11. Review status: criteria provided, single submitter. Criteria: ARUP Molecular Germline Variant Investigation Process 2024. Collection method: clinical testing. Allele origin: germline.
Comment: The BMPR2 c.147T>G; p.Ser49Arg variant (rs150080314), to our knowledge, is not reported in the medical literature but is reported in ClinVar (Variation ID: 1605819). This variant is found in the general population with an overall allele frequency of 0.03% (84/282,832 alleles) in the Genome Aggregation Database (v2.1.1). Computational analyses are uncertain whether this variant is neutral or deleterious (REVEL: 0.612). Due to limited information, the clinical significance of this variant is uncertain at this time.

NM_001204.7(BMPR2):c.147T>G (p.Ser49Arg)

Gene: BMPR2 (bone morphogenetic protein receptor type 2; plus strand). Cytogenetic location: 2q33.1.
Variant type: single nucleotide variant.
Coding change: c.147T>G on transcript NM_001204.7 (MANE Select); coding-DNA position 147, T replaced by G.
Protein change: p.Ser49Arg; replaces serine 49 with arginine.
Molecular consequence: missense variant.
Genome position (GRCh38, 1-based): chr2:202,464,879, T>G. VCF-style: chr2-202464879-T-G. GRCh37 (hg19) VCF-style: chr2-203329602-T-G.
Other names: c.147T>G (NM_001204.6); short protein forms S49R.
Identifiers: ClinVar variation 1605819 (VCV001605819.10), dbSNP rs150080314, ClinGen allele CA2061042.